The following is an entry in ClinVar:

NM_015001.3(SPEN):c.4815A>G (p.Lys1605=)

Gene: SPEN (spen family transcriptional repressor; plus strand). Cytogenetic location: 1p36.13.
Variant type: single nucleotide variant.
Coding change: c.4815A>G on transcript NM_015001.3 (MANE Select); coding-DNA position 4815, A replaced by G.
Protein change: p.Lys1605=; no amino-acid change (lysine 1605 retained).
Molecular consequence: synonymous variant.
Genome position (GRCh38, 1-based): chr1:15,931,055, A>G. VCF-style: chr1-15931055-A-G. GRCh37 (hg19) VCF-style: chr1-16257550-A-G.
Identifiers: ClinVar variation 3352317 (VCV003352317.1).

ClinVar aggregate classification (germline): Likely benign (0 of 4 stars; one submission).

Conditions:
SPEN-related disorder. Also called: SPEN-related condition.

gnomAD v4.1: 119 of 1,613,522 alleles (0.0074%); highest among the groups gnomAD compares: Admixed American, 0.017%; no homozygotes.

Submission:

PreventionGenetics, part of Exact Sciences
Classification: Likely benign for SPEN-related condition. Last evaluated: 2019-06-12. Review status: no assertion criteria provided. Collection method: clinical testing. Allele origin: germline.
Comment: This variant is classified as likely benign based on ACMG/AMP sequence variant interpretation guidelines (Richards et al. 2015 PMID: 25741868, with internal and published modifications).